The following is an entry in ClinVar:

ClinVar aggregate classification (germline): Uncertain significance (1 of 4 stars; one submission).

Conditions:
Progressive sclerosing poliodystrophy (MTDPS4A). Also called: Mitochondrial DNA Depletion Syndrome 4A; Alpers-Huttenlocher Syndrome (AHS); ALPERS PROGRESSIVE INFANTILE POLIODYSTROPHY; NEURONAL DEGENERATION OF CHILDHOOD WITH LIVER DISEASE, PROGRESSIVE; Mitochondrial DNA depletion syndrome 4A (Alpers type); Alpers Syndrome. Identifiers: Orphanet 726, MedGen C0205710, MONDO:0008758, OMIM 203700.

Allele frequency attached by ClinVar (database versions not stated): gnomAD exomes below 0.00001; TOPMed below 0.00001.
gnomAD v4.1: 1 of 1,613,306 alleles (0.000062%); highest among the groups gnomAD compares: Non-Finnish European, 0.000085%; no homozygotes.

Submission:

Labcorp Genetics (formerly Invitae), Labcorp
Classification: Uncertain significance for Progressive sclerosing poliodystrophy. Last evaluated: 2025-12-28. Review status: criteria provided, single submitter. Criteria: Invitae Variant Classification Sherloc (09022015). Collection method: clinical testing. Allele origin: germline.
Comment: This sequence change creates a premature translational stop signal (p.Gln1236*) in the POLG gene. While this is not anticipated to result in nonsense mediated decay, it is expected to disrupt the last 4 amino acid(s) of the POLG protein. This variant is not present in population databases (gnomAD no frequency). This variant has not been reported in the literature in individuals affected with POLG-related conditions. ClinVar contains an entry for this variant (Variation ID: 2425713). Experimental studies and prediction algorithms are not available or were not evaluated, and the functional significance of this variant is currently unknown. In summary, the available evidence is currently insufficient to determine the role of this variant in disease. Therefore, it has been classified as a Variant of Uncertain Significance.

NM_002693.3(POLG):c.3706C>T (p.Gln1236Ter)

Genes: FANCI (FA complementation group I; plus strand), POLG (DNA polymerase gamma, catalytic subunit; minus strand). Cytogenetic location: 15q26.1.
Variant type: single nucleotide variant.
Coding change: c.3706C>T on transcript NM_002693.3 (MANE Select); coding-DNA position 3706, C replaced by T.
Protein change: p.Gln1236Ter; replaces glutamine 1236 with a stop codon.
Molecular consequence: nonsense. On other transcripts: 3 prime UTR variant (4).
Genome position (GRCh38, 1-based): chr15:89,316,765, G>A on the plus strand (C>T on the coding strand, the complement: POLG is on the minus strand). VCF-style: chr15-89316765-G-A. GRCh37 (hg19) VCF-style: chr15-89859996-G-A.
Other names: c.3706C>T, p.Gln1236Ter (NM_001126131.2); c.*306G>A (NM_001113378.2, NM_001376910.1, NM_001376911.1 and 1 more transcripts); short protein forms Q1236*.
Identifiers: ClinVar variation 2425713 (VCV002425713.7), dbSNP rs2055280300, ClinGen allele CA393746821.